The following is an entry in ClinVar:

ClinVar aggregate classification (germline): Uncertain significance. Review status: criteria provided, multiple submitters, no conflicts (2 of 4 stars). 3 submissions from 3 submitters: Uncertain significance (2). 1 of the submissions does not count toward it. Last evaluated 2025-09-22.

Conditions:
Retinal dystrophy. Also called: Inherited retinal dystrophy. Identifiers: Orphanet 71862, MedGen C0854723, MeSH D058499, MONDO:0019118, HP:0000556.

Allele frequency attached by ClinVar (database versions not stated): gnomAD 0.00003; TOPMed 0.00003.
gnomAD v4.1: 15 of 1,613,686 alleles (0.00093%); highest among the groups gnomAD compares: East Asian, 0.0022%; no homozygotes.

Submissions (3):

Ambry Genetics
Classification: Uncertain significance. Last evaluated: 2025-09-22. Review status: criteria provided, single submitter. Criteria: Ambry Variant Classification Scheme 2023. Collection method: clinical testing. Allele origin: germline.

Labcorp Genetics (formerly Invitae), Labcorp
Classification: Uncertain significance. Last evaluated: 2024-03-03. Review status: criteria provided, single submitter. Criteria: Invitae Variant Classification Sherloc (09022015). Collection method: clinical testing. Allele origin: germline.
Comment: This sequence change replaces arginine, which is basic and polar, with tryptophan, which is neutral and slightly polar, at codon 687 of the YME1L1 protein (p.Arg687Trp). This variant is present in population databases (no rsID available, gnomAD 0.0009%). This variant has not been reported in the literature in individuals affected with YME1L1-related conditions. ClinVar contains an entry for this variant (Variation ID: 2468730). Algorithms developed to predict the effect of missense changes on protein structure and function output the following: SIFT: "Not Available"; PolyPhen-2: "Benign"; Align-GVGD: "Not Available". The tryptophan amino acid residue is found in multiple mammalian species, which suggests that this missense change does not adversely affect protein function. In summary, the available evidence is currently insufficient to determine the role of this variant in disease. Therefore, it has been classified as a Variant of Uncertain Significance.

Institute of Human Genetics, Univ. Regensburg, Univ. Regensburg
Classification: Uncertain significance for Retinal dystrophy. Last evaluated: 2023-01-01. Review status: no assertion criteria provided. Criteria: ACMG Guidelines, 2015. Collection method: clinical testing. Allele origin: germline. Affected: yes. Not counted in ClinVar's aggregate classification.

NM_014263.4(YME1L1):c.1888C>T (p.Arg630Trp)

Gene: YME1L1 (YME1 like 1 ATPase; minus strand). Cytogenetic location: 10p12.1.
Variant type: single nucleotide variant.
Coding change: c.1888C>T on transcript NM_014263.4 (MANE Select); coding-DNA position 1888, C replaced by T.
Protein change: p.Arg630Trp; replaces arginine 630 with tryptophan.
Molecular consequence: missense variant.
Genome position (GRCh38, 1-based): chr10:27,116,092, G>A on the plus strand (C>T on the coding strand, the complement: YME1L1 is on the minus strand). VCF-style: chr10-27116092-G-A. GRCh37 (hg19) VCF-style: chr10-27405021-G-A.
Other names: c.1789C>T, p.Arg597Trp (NM_001253866.2); c.2059C>T, p.Arg687Trp (NM_139312.3); short protein forms R597W, R630W, R687W.
Identifiers: ClinVar variation 2468730 (VCV002468730.6), dbSNP rs1275176334, ClinGen allele CA376369193.
Genomic context (GRCh38, chr10:27,116,092, plus strand): 5'-CATGAAAAGGATTTAAAAAATCTATTACCTTTTCACTCATTCCAAATTTGGTAACCATCC[G>A]CTTTGCTATTTTAGTGGCATTATCAAAATCACTGGAAGCACCTAAAATAAAATAAAAACA-3'
Protein context (NP_055078.1, residues 620-640): DFDNATKIAK[Arg630Trp]MVTKFGMSEK